The following is an entry in ClinVar:

ClinVar aggregate classification (germline): Benign. Review status: criteria provided, single submitter (1 of 4 stars). 2 submissions from 1 submitter: Benign (2). Last evaluated 2018-01-13.

Conditions:
Otofaciocervical syndrome 1 (OTFCS). Identifiers: MedGen C3714941, MONDO:0024532, OMIM 166780.
Branchiootic syndrome 1 (BOS1). Also called: BO SYNDROME 1; BRANCHIOOTIC DYSPLASIA. Identifiers: MedGen C1865143, MONDO:0011258, OMIM 602588.

Allele frequency attached by ClinVar (database versions not stated): gnomAD exomes 0.00058; gnomAD 0.00413 and 0.00432; TOPMed 0.00448; 1000 Genomes Project 30x 0.00531; 1000 Genomes Project 0.00539.
gnomAD v4.1: 729 of 333,822 alleles (0.22%); highest among the groups gnomAD compares: African/African-American, 1.4%; 7 homozygotes.

Submissions (2):

Illumina Laboratory Services, Illumina
Classification: Benign for Otofaciocervical syndrome 1. Last evaluated: 2018-01-13. Review status: criteria provided, single submitter. Criteria: ICSL Variant Classification Criteria 13 December 2019. Collection method: clinical testing. Allele origin: germline.
Comment: This variant was observed in the ICSL laboratory as part of a predisposition screen in an ostensibly healthy population. It had not been previously curated by ICSL or reported in the Human Gene Mutation Database (HGMD: prior to June 1st, 2018), and was therefore a candidate for classification through an automated scoring system. Utilizing variant allele frequency, disease prevalence and penetrance estimates, and inheritance mode, an automated score was calculated to assess if this variant is too frequent to cause the disease. Based on the score and internal cut-off values, a variant classified as benign is not then subjected to further curation. The score for this variant resulted in a classification of benign for this disease.

Illumina Laboratory Services, Illumina
Classification: Benign for Branchiootic syndrome. Last evaluated: 2018-01-13. Review status: criteria provided, single submitter. Criteria: ICSL Variant Classification Criteria 13 December 2019. Collection method: clinical testing. Allele origin: germline.
Comment: the same text as in the submission from Illumina Laboratory Services, Illumina above.

NM_000503.6(EYA1):c.*353C>T

Gene: EYA1 (EYA transcriptional coactivator and phosphatase 1; minus strand). Cytogenetic location: 8q13.3.
Variant type: single nucleotide variant.
Coding change: c.*353C>T on transcript NM_000503.6 (MANE Select); 353 bases downstream of the stop codon, C replaced by T.
Molecular consequence: 3 prime UTR variant.
Genome position (GRCh38, 1-based): chr8:71,198,987, G>A on the plus strand (C>T on the coding strand, the complement: EYA1 is on the minus strand). VCF-style: chr8-71198987-G-A. GRCh37 (hg19) VCF-style: chr8-72111222-G-A.
Other names: c.*353C>T (NM_001288574.2, NM_001288575.2, NM_001370333.1 and 5 more transcripts).
Identifiers: ClinVar variation 363643 (VCV000363643.5), dbSNP rs151172668, ClinGen allele CA10631484.